The following is an entry in ClinVar:

ClinVar aggregate classification (germline): Uncertain significance (1 of 4 stars; one submission).

gnomAD v4.1: 1 of 1,613,568 alleles (0.000062%); highest among the groups gnomAD compares: Non-Finnish European, 0.000085%; no homozygotes.

Submission:

Labcorp Genetics (formerly Invitae), Labcorp
Classification: Uncertain significance. Last evaluated: 2024-04-06. Review status: criteria provided, single submitter. Criteria: Invitae Variant Classification Sherloc (09022015). Collection method: clinical testing. Allele origin: germline.
Comment: This sequence change replaces arginine, which is basic and polar, with leucine, which is neutral and non-polar, at codon 1345 of the A2ML1 protein (p.Arg1345Leu). This variant is not present in population databases (gnomAD no frequency). This variant has not been reported in the literature in individuals affected with A2ML1-related conditions. An algorithm developed to predict the effect of missense changes on protein structure and function (PolyPhen-2) suggests that this variant is likely to be tolerated. Algorithms developed to predict the effect of sequence changes on RNA splicing suggest that this variant may disrupt the consensus splice site. In summary, the available evidence is currently insufficient to determine the role of this variant in disease. Therefore, it has been classified as a Variant of Uncertain Significance.

NM_144670.6(A2ML1):c.4034G>T (p.Arg1345Leu)

Gene: A2ML1 (alpha-2-macroglobulin like 1; plus strand). Cytogenetic location: 12p13.31.
Variant type: single nucleotide variant.
Coding change: c.4034G>T on transcript NM_144670.6 (MANE Select); coding-DNA position 4034, G replaced by T.
Protein change: p.Arg1345Leu; replaces arginine 1345 with leucine.
Molecular consequence: missense variant.
Genome position (GRCh38, 1-based): chr12:8,868,330, G>T. VCF-style: chr12-8868330-G-T. GRCh37 (hg19) VCF-style: chr12-9020926-G-T.
Other names: c.2561G>T, p.Arg854Leu (NM_001282424.3); short protein forms R1345L, R854L.
Identifiers: ClinVar variation 3704586 (VCV003704586.2).
Genomic context (GRCh38, chr12:8,868,330, plus strand): 5'-AGACCTTTAGTCTTAGTGTGGAAATAGGAAAAGCTAGATGTGAGCAACCGACTTCACCTC[G>T]ATCCTTGACTCTCACTATTCACACCAGGTGATTAAAGCTGGGGTGCTGGTGGCCGGCAGA-3'
Protein context (NP_653271.3, residues 1335-1355): KARCEQPTSP[Arg1345Leu]SLTLTIHTSY